The following is an entry in ClinVar:

NM_001330078.2(NRXN1):c.1575A>G (p.Arg525=)

Gene: NRXN1 (neurexin 1; minus strand). Cytogenetic location: 2p16.3.
Variant type: single nucleotide variant.
Coding change: c.1575A>G on transcript NM_001330078.2 (MANE Select); coding-DNA position 1575, A replaced by G.
Protein change: p.Arg525=; no amino-acid change (arginine 525 retained).
Molecular consequence: synonymous variant.
Genome position (GRCh38, 1-based): chr2:50,552,771, T>C on the plus strand (A>G on the coding strand, the complement: NRXN1 is on the minus strand). VCF-style: chr2-50552771-T-C. GRCh37 (hg19) VCF-style: chr2-50779909-T-C.
Other names: p.R565R:AGA>AGG; p.Arg565=; c.1695A>G, p.Arg565= (NM_001135659.3); c.1551A>G, p.Arg517= (NM_001330077.2, NM_001330082.2, NM_001330095.2); c.1536A>G, p.Arg512= (NM_001330083.2, NM_001330084.2); c.1575A>G, p.Arg525= (NM_001330085.2, NM_001330086.2, NM_004801.6); c.1491A>G, p.Arg497= (NM_001330087.2, NM_001330096.2); c.1521A>G, p.Arg507= (NM_001330088.2); and 2 more.
Identifiers: ClinVar variation 138550 (VCV000138550.48), dbSNP rs201941844, ClinGen allele CA292596.

ClinVar aggregate classification (germline): Conflicting classifications of pathogenicity. Review status: criteria provided, conflicting classifications (1 of 4 stars). 10 submissions from 10 submitters: Uncertain significance (1); Benign (2); Likely benign (5). 2 of the submissions do not count toward it. Last evaluated 2026-01-26.

Conditions:
Inborn genetic diseases. Identifiers: MedGen C0950123, MeSH D030342.
Pitt-Hopkins-like syndrome 2 (PTHSL2). Identifiers: Orphanet 221150, Orphanet 600663, MedGen C3280479, MONDO:0013690, OMIM 614325.

Allele frequency attached by ClinVar (database versions not stated): gnomAD exomes 0.00045 and 0.00020; 1000 Genomes Project 30x 0.00109; gnomAD 0.00142 and 0.00155; ExAC 0.00055; TOPMed 0.00179; ESP Exome Variant Server 0.00182; 1000 Genomes Project 0.00060.
gnomAD v4.1: 543 of 1,613,988 alleles (0.034%); highest among the groups gnomAD compares: African/African-American, 0.5%; 2 homozygotes.

Submissions (10):

Labcorp Genetics (formerly Invitae), Labcorp
Classification: Benign for Pitt-Hopkins-like syndrome 2. Last evaluated: 2026-01-26. Review status: criteria provided, single submitter. Criteria: Invitae Variant Classification Sherloc (09022015). Collection method: clinical testing. Allele origin: germline.

Mayo Clinic Laboratories, Mayo Clinic
Classification: Likely benign. Last evaluated: 2025-06-30. Review status: criteria provided, single submitter. Criteria: ACMG Guidelines, 2015. Collection method: clinical testing. Allele origin: germline. Observed: 4 variant alleles.

Blueprint Genetics
Classification: Likely benign. Last evaluated: 2024-08-15. Review status: criteria provided, single submitter. Criteria: ACMG Guidelines, 2015. Collection method: clinical testing. Allele origin: germline.

CeGaT Center for Human Genetics Tuebingen
Classification: Likely benign. Last evaluated: 2023-05-01. Review status: criteria provided, single submitter. Criteria: CeGaT Center For Human Genetics Tuebingen Variant Classification Criteria Version 2. Collection method: clinical testing. Allele origin: germline. Affected: yes. Observed: 2 variant alleles.
Comment: NRXN1: BP4, BP7

Athena Diagnostics
Classification: Likely benign. Last evaluated: 2018-03-27. Review status: criteria provided, single submitter. Criteria: Athena Diagnostics Criteria. Collection method: clinical testing. Allele origin: germline.

Ambry Genetics
Classification: Likely benign for Inborn genetic diseases. Last evaluated: 2017-01-17. Review status: criteria provided, single submitter. Criteria: Ambry Variant Classification Scheme 2023. Collection method: clinical testing. Allele origin: germline.

Genetic Services Laboratory, University of Chicago
Classification: Uncertain significance. Last evaluated: 2015-01-30. Review status: criteria provided, single submitter. Criteria: ACMG Guidelines, 2015. Collection method: clinical testing. Allele origin: germline.

GeneDx
Classification: Benign. Last evaluated: 2013-05-13. Review status: criteria provided, single submitter. Criteria: GeneDx Variant Classification (06012015). Collection method: clinical testing. Allele origin: germline. Affected: yes.
Comment: This variant is considered likely benign or benign based on one or more of the following criteria: it is a conservative change, it occurs at a poorly conserved position in the protein, it is predicted to be benign by multiple in silico algorithms, and/or has population frequency not consistent with disease.

Clinical Genetics DNA and cytogenetics Diagnostics Lab, Erasmus MC, Erasmus Medical Center
Classification: Likely benign. Review status: no assertion criteria provided. Collection method: clinical testing. Allele origin: germline. Affected: yes. Study: VKGL Data-share Consensus. Not counted in ClinVar's aggregate classification.

Genome Diagnostics Laboratory, University Medical Center Utrecht
Classification: Likely benign. Review status: no assertion criteria provided. Collection method: clinical testing. Allele origin: germline. Affected: yes. Study: VKGL Data-share Consensus. Not counted in ClinVar's aggregate classification.